The following is an entry in ClinVar:

ClinVar aggregate classification (germline): Uncertain significance (1 of 4 stars; one submission).

Submission:

Labcorp Genetics (formerly Invitae), Labcorp
Classification: Uncertain significance. Last evaluated: 2023-12-08. Review status: criteria provided, single submitter. Criteria: Invitae Variant Classification Sherloc (09022015). Collection method: clinical testing. Allele origin: germline.
Comment: This sequence change replaces glutamine, which is neutral and polar, with proline, which is neutral and non-polar, at codon 194 of the FOXP1 protein (p.Gln194Pro). This variant is not present in population databases (gnomAD no frequency). This variant has not been reported in the literature in individuals affected with FOXP1-related conditions. Advanced modeling of protein sequence and biophysical properties (such as structural, functional, and spatial information, amino acid conservation, physicochemical variation, residue mobility, and thermodynamic stability) has been performed at Invitae for this missense variant, however the output from this modeling did not meet the statistical confidence thresholds required to predict the impact of this variant on FOXP1 protein function. In summary, the available evidence is currently insufficient to determine the role of this variant in disease. Therefore, it has been classified as a Variant of Uncertain Significance.

NM_001349338.3(FOXP1):c.581A>C (p.Gln194Pro)

Gene: FOXP1 (forkhead box P1; minus strand). Cytogenetic location: 3p13.
Variant type: single nucleotide variant.
Coding change: c.581A>C on transcript NM_001349338.3 (MANE Select); coding-DNA position 581, A replaced by C.
Protein change: p.Gln194Pro; replaces glutamine 194 with proline.
Molecular consequence: missense variant. On other transcripts: non-coding transcript variant (2).
Genome position (GRCh38, 1-based): chr3:71,047,025, T>G on the plus strand (A>C on the coding strand, the complement: FOXP1 is on the minus strand). VCF-style: chr3-71047025-T-G. GRCh37 (hg19) VCF-style: chr3-71096176-T-G.
Other names: c.581A>C, p.Gln194Pro (NM_001244808.3, NM_001244810.2, NM_001244814.3 and 4 more transcripts); c.353A>C, p.Gln118Pro (NM_001244812.3); c.281A>C, p.Gln94Pro (NM_001244813.3, NM_001244815.2, NM_001349342.3 and 1 more transcripts); c.278A>C, p.Gln93Pro (NM_001349337.2, NM_001349343.3, NM_001349344.3); c.578A>C, p.Gln193Pro (NM_001349341.3); short protein forms Q193P, Q93P, Q118P, Q194P, Q94P.
Identifiers: ClinVar variation 2706538 (VCV002706538.3), dbSNP rs2545822860, ClinGen allele CA353563316.